The following is an entry in ClinVar:

ClinVar aggregate classification (germline): Likely pathogenic (1 of 4 stars; one submission).

Submission:

GeneDx
Classification: Likely pathogenic. Last evaluated: 2025-03-17. Review status: criteria provided, single submitter. Criteria: GeneDx Variant Classification Process June 2021. Collection method: clinical testing. Allele origin: germline. Affected: yes.
Comment: Nonsense variant predicted to result in protein truncation or nonsense mediated decay in a gene for which loss of function is a known mechanism of disease; Not observed at significant frequency in large population cohorts (gnomAD); Has not been previously published as pathogenic or benign to our knowledge

NM_007118.4(TRIO):c.1282C>T (p.Gln428Ter)

Gene: TRIO (trio Rho guanine nucleotide exchange factor; plus strand). Cytogenetic location: 5p15.2.
Variant type: single nucleotide variant.
Coding change: c.1282C>T on transcript NM_007118.4 (MANE Select); coding-DNA position 1282, C replaced by T.
Protein change: p.Gln428Ter; replaces glutamine 428 with a stop codon.
Molecular consequence: nonsense. On other transcripts: non-coding transcript variant (1).
Genome position (GRCh38, 1-based): chr5:14,297,177, C>T. VCF-style: chr5-14297177-C-T. GRCh37 (hg19) VCF-style: chr5-14297286-C-T.
Other names: short protein forms Q428*.
Identifiers: ClinVar variation 4086714 (VCV004086714.1).
Genomic context (GRCh38, chr5:14,297,177, plus strand): 5'-CTGGTGGAGTCTGGCCACTATGCCTCGCAGCAGATCAGGCAGATCGCGAGTCAGCTGGAG[C>T]AGGAGTGGAAGGCGTTTGCGGCAGCCCTGGATGAGCGGAGCACCTTGCTGGACATGTCCT-3'